The following is an entry in ClinVar:

NM_001128148.3(TFRC):c.731A>C (p.Glu244Ala)

Gene: TFRC (transferrin receptor; minus strand). Cytogenetic location: 3q29.
Variant type: single nucleotide variant.
Coding change: c.731A>C on transcript NM_001128148.3 (MANE Select); coding-DNA position 731, A replaced by C.
Protein change: p.Glu244Ala; replaces glutamic acid 244 with alanine.
Molecular consequence: missense variant. On other transcripts: 5 prime UTR variant (1).
Genome position (GRCh38, 1-based): chr3:196,069,525, T>G on the plus strand (A>C on the coding strand, the complement: TFRC is on the minus strand). VCF-style: chr3-196069525-T-G. GRCh37 (hg19) VCF-style: chr3-195796396-T-G.
Other names: c.488A>C, p.Glu163Ala (NM_001313965.2); c.-116A>C (NM_001313966.2); c.731A>C, p.Glu244Ala (NM_003234.4); short protein forms E163A, E244A.
Identifiers: ClinVar variation 4745581 (VCV004745581.1).

ClinVar aggregate classification (germline): Uncertain significance (1 of 4 stars; one submission).

Submission:

Labcorp Genetics (formerly Invitae), Labcorp
Classification: Uncertain significance. Last evaluated: 2025-07-20. Review status: criteria provided, single submitter. Criteria: Invitae Variant Classification Sherloc (09022015). Collection method: clinical testing. Allele origin: germline.
Comment: This sequence change replaces glutamic acid, which is acidic and polar, with alanine, which is neutral and non-polar, at codon 244 of the TFRC protein (p.Glu244Ala). This variant is not present in population databases (gnomAD no frequency). This variant has not been reported in the literature in individuals affected with TFRC-related conditions. Invitae Evidence Modeling of protein sequence and biophysical properties (such as structural, functional, and spatial information, amino acid conservation, physicochemical variation, residue mobility, and thermodynamic stability) indicates that this missense variant is not expected to disrupt TFRC protein function with a negative predictive value of 80%. In summary, the available evidence is currently insufficient to determine the role of this variant in disease. Therefore, it has been classified as a Variant of Uncertain Significance.